The following is an entry in ClinVar:

ClinVar aggregate classification (germline): Uncertain significance (1 of 4 stars; one submission).

Submission:

GeneDx
Classification: Uncertain significance. Last evaluated: 2024-10-21. Review status: criteria provided, single submitter. Criteria: GeneDx Variant Classification Process June 2021. Collection method: clinical testing. Allele origin: germline. Affected: yes.
Comment: Not observed at significant frequency in large population cohorts (gnomAD); In silico analysis indicates that this missense variant does not alter protein structure/function; Has not been previously published as pathogenic or benign to our knowledge

NM_001366521.1(ATP2B1):c.3643A>C (p.Ser1215Arg)

Gene: ATP2B1 (ATPase plasma membrane Ca2+ transporting 1; minus strand). Cytogenetic location: 12q21.33.
Variant type: single nucleotide variant.
Coding change: c.3643A>C on transcript NM_001366521.1 (MANE Select); coding-DNA position 3643, A replaced by C.
Protein change: p.Ser1215Arg; replaces serine 1215 with arginine.
Molecular consequence: missense variant. On other transcripts: 3 prime UTR variant (9), non-coding transcript variant (3).
Genome position (GRCh38, 1-based): chr12:89,591,004, T>G on the plus strand (A>C on the coding strand, the complement: ATP2B1 is on the minus strand). VCF-style: chr12-89591004-T-G. GRCh37 (hg19) VCF-style: chr12-89984781-T-G.
Other names: c.*266A>C (NM_001001323.2, NM_001366523.1, NM_001366528.1 and 2 more transcripts); c.3643A>C, p.Ser1215Arg (NM_001366520.1, NM_001366522.1, NM_001413046.1 and 2 more transcripts); c.3730A>C, p.Ser1244Arg (NM_001366524.1, NM_001366525.1); c.*279A>C (NM_001366526.1, NM_001366527.1, NM_001366529.1 and 1 more transcripts); c.3604A>C, p.Ser1202Arg (NM_001413048.1); c.3535A>C, p.Ser1179Arg (NM_001413049.1, NM_001413050.1); c.3502A>C, p.Ser1168Arg (NM_001413051.1, NM_001413052.1); c.3445A>C, p.Ser1149Arg (NM_001413053.1); and 5 more; short protein forms S1028R, S1064R, S1134R, S1179R, S1202R, S1215R, S1244R, S1168R.
Identifiers: ClinVar variation 3781312 (VCV003781312.1).